The following is an entry in ClinVar:

ClinVar aggregate classification (germline): Likely benign (1 of 4 stars; one submission).

Conditions:
Non-acquired combined pituitary hormone deficiency with spine abnormalities (CPHD3). Also called: Winkelman Bethge Pfeiffer syndrome; WBP syndrome; Combined pituitary hormone deficiency type 3. Identifiers: Orphanet 231720, MedGen C3489787, MONDO:0009091, OMIM 221750.

Allele frequency attached by ClinVar (database versions not stated): gnomAD 0.00091 and 0.00163; TOPMed 0.00217; 1000 Genomes Project 30x 0.00734; 1000 Genomes Project 0.00779.

Submission:

Illumina Laboratory Services, Illumina
Classification: Likely benign for Non-acquired combined pituitary hormone deficiency with spine abnormalities. Last evaluated: 2018-01-12. Review status: criteria provided, single submitter. Criteria: ICSL Variant Classification Criteria 13 December 2019. Collection method: clinical testing. Allele origin: germline.
Comment: This variant was observed in the ICSL laboratory as part of a predisposition screen in an ostensibly healthy population. It had not been previously curated by ICSL or reported in the Human Gene Mutation Database (HGMD: prior to June 1st, 2018), and was therefore a candidate for classification through an automated scoring system. Utilizing variant allele frequency, disease prevalence and penetrance estimates, and inheritance mode, an automated score was calculated to assess if this variant is too frequent to cause the disease. Based on the score and internal cut-off values, a variant classified as likely benign is not then subjected to further curation. The score for this variant resulted in a classification of likely benign for this disease.

NM_178138.6(LHX3):c.*791G>A

Gene: LHX3 (LIM homeobox 3; minus strand). Cytogenetic location: 9q34.3.
Variant type: single nucleotide variant.
Coding change: c.*791G>A on transcript NM_178138.6 (MANE Select); 791 bases downstream of the stop codon, G replaced by A.
Molecular consequence: 3 prime UTR variant.
Genome position (GRCh38, 1-based): chr9:136,196,534, C>T on the plus strand (G>A on the coding strand, the complement: LHX3 is on the minus strand). VCF-style: chr9-136196534-C-T. GRCh37 (hg19) VCF-style: chr9-139088380-C-T.
Other names: c.*791G>A (NM_001363746.1, NM_014564.5).
Identifiers: ClinVar variation 365800 (VCV000365800.5), dbSNP rs12237402, ClinGen allele CA10629534.